The following is an entry in ClinVar:

ClinVar aggregate classification (germline): Uncertain significance (1 of 4 stars; one submission).

Submission:

GeneDx
Classification: Uncertain significance. Last evaluated: 2025-03-23. Review status: criteria provided, single submitter. Criteria: GeneDx Variant Classification Process June 2021. Collection method: clinical testing. Allele origin: germline. Affected: yes.
Comment: Not observed at significant frequency in large population cohorts (gnomAD); In silico analysis indicates that this missense variant does not alter protein structure/function; Has not been previously published as pathogenic or benign to our knowledge

NM_005629.4(SLC6A8):c.329T>C (p.Ile110Thr)

Gene: SLC6A8 (solute carrier family 6 member 8; plus strand). Cytogenetic location: Xq28.
Variant type: single nucleotide variant.
Coding change: c.329T>C on transcript NM_005629.4 (MANE Select); coding-DNA position 329, T replaced by C.
Protein change: p.Ile110Thr; replaces isoleucine 110 with threonine.
Molecular consequence: missense variant. On other transcripts: 5 prime UTR variant (1).
Genome position (GRCh38, 1-based): chrX:153,690,441, T>C. VCF-style: chrX-153690441-T-C. GRCh37 (hg19) VCF-style: chrX-152955896-T-C.
Other names: c.329T>C, p.Ile110Thr (NM_001142805.2); c.-17T>C (NM_001142806.1); short protein forms I110T.
Identifiers: ClinVar variation 4088210 (VCV004088210.1).